The following is an entry in ClinVar:

ClinVar aggregate classification (germline): Uncertain significance (1 of 4 stars; one submission).

Allele frequency attached by ClinVar (database versions not stated): ExAC 0.00001; gnomAD exomes 0.00002; TOPMed 0.00003; gnomAD 0.00005 and 0.00006.
gnomAD v4.1: 20 of 1,613,964 alleles (0.0012%); highest among the groups gnomAD compares: Admixed American, 0.013%; no homozygotes.

Submission:

Labcorp Genetics (formerly Invitae), Labcorp
Classification: Uncertain significance. Last evaluated: 2022-04-08. Review status: criteria provided, single submitter. Criteria: Invitae Variant Classification Sherloc (09022015). Collection method: clinical testing. Allele origin: germline.
Comment: This sequence change replaces proline, which is neutral and non-polar, with leucine, which is neutral and non-polar, at codon 287 of the SLC26A5 protein (p.Pro287Leu). This variant is present in population databases (rs769598539, gnomAD 0.009%). This variant has not been reported in the literature in individuals affected with SLC26A5-related conditions. Advanced modeling of protein sequence and biophysical properties (such as structural, functional, and spatial information, amino acid conservation, physicochemical variation, residue mobility, and thermodynamic stability) performed at Invitae indicates that this missense variant is not expected to disrupt SLC26A5 protein function. In summary, the available evidence is currently insufficient to determine the role of this variant in disease. Therefore, it has been classified as a Variant of Uncertain Significance.

NM_198999.3(SLC26A5):c.860C>T (p.Pro287Leu)

Gene: SLC26A5 (solute carrier family 26 member 5; minus strand). Cytogenetic location: 7q22.1.
Variant type: single nucleotide variant.
Coding change: c.860C>T on transcript NM_198999.3 (MANE Select); coding-DNA position 860, C replaced by T.
Protein change: p.Pro287Leu; replaces proline 287 with leucine.
Molecular consequence: missense variant. On other transcripts: non-coding transcript variant (5).
Genome position (GRCh38, 1-based): chr7:103,407,879, G>A on the plus strand (C>T on the coding strand, the complement: SLC26A5 is on the minus strand). VCF-style: chr7-103407879-G-A. GRCh37 (hg19) VCF-style: chr7-103048326-G-A.
Other names: c.860C>T, p.Pro287Leu (NM_001167962.2, NM_001321787.2, NM_206883.3 and 2 more transcripts); short protein forms P287L.
Identifiers: ClinVar variation 1412943 (VCV001412943.6), dbSNP rs769598539, ClinGen allele CA4419684.
Genomic context (GRCh38, chr7:103,407,879, plus strand): 5'-GCCGAGTAGGTCACTGACCGAAGGTGACTTACCGCAAAGAACTCTAAAGGAATAGGCGCC[G>A]GCAATTTCTCTTTAAATCTCTCATTAAACTCCTTGCCACCCAACAGCAAACCAAAAACCA-3'
Protein context (NP_945350.1, residues 277-297): EFNERFKEKL[Pro287Leu]APIPLEFFAV